The following is an entry in ClinVar:

NC_000006.11:g.(?_162622153)_(162683807_?)dup

Genes: LNCR-SMAL (lncRNA senescence and mitophagy associated regulator of PRKN; plus strand), PRKN (parkin RBR E3 ubiquitin protein ligase; minus strand), LOC126859871 (MED14-independent group 3 enhancer GRCh37_chr6:162621359-162622558; plus strand). Cytogenetic location: 6q26.
Variant type: Duplication.
Identifiers: ClinVar variation 651253 (VCV000651253.8).

ClinVar aggregate classification (germline): Uncertain significance (1 of 4 stars; one submission).

Submission:

Labcorp Genetics (formerly Invitae), Labcorp
Classification: Uncertain significance. Last evaluated: 2021-08-12. Review status: criteria provided, single submitter. Criteria: Invitae Variant Classification Sherloc (09022015). Collection method: clinical testing. Allele origin: germline.
Comment: This variant results in a copy number gain of the genomic region encompassing exon(s) 3-4 of the PRKN gene. While the exact position of this variant cannot be determined from the data, sub-genic copy number gains are generally in tandem (PMID: 25640679). This variant is predicted to be in-frame, and likely preserves the integrity of the reading frame. A similar copy number variant has been observed in individual(s) with early-onset Parkinson disease (PMID: 12764050). In summary, the available evidence is currently insufficient to determine the role of this variant in disease. Therefore, it has been classified as a Variant of Uncertain Significance.

Literature cited by the submitters: PubMed 25640679; PubMed 12764050.